The following is an entry in ClinVar:

ClinVar aggregate classification (germline): Likely benign (1 of 4 stars; one submission).

Submission:

GeneDx
Classification: Likely benign. Last evaluated: 2017-02-21. Review status: criteria provided, single submitter. Criteria: GeneDx Variant Classification (06012015). Collection method: clinical testing. Allele origin: germline. Affected: yes.
Comment: This variant is considered likely benign or benign based on one or more of the following criteria: it is a conservative change, it occurs at a poorly conserved position in the protein, it is predicted to be benign by multiple in silico algorithms, and/or has population frequency not consistent with disease.

NM_001165963.4(SCN1A):c.5379T>A (p.Thr1793=)

Genes: SCN1A (sodium voltage-gated channel alpha subunit 1; minus strand), LOC102724058 (uncharacterized LOC102724058; plus strand). Cytogenetic location: 2q24.3.
Variant type: single nucleotide variant.
Coding change: c.5379T>A on transcript NM_001165963.4 (MANE Select); coding-DNA position 5379, T replaced by A.
Protein change: p.Thr1793=; no amino-acid change (threonine 1793 retained).
Molecular consequence: synonymous variant. On other transcripts: non-coding transcript variant (1).
Genome position (GRCh38, 1-based): chr2:165,991,896, A>T on the plus strand (T>A on the coding strand, the complement: SCN1A is on the minus strand). VCF-style: chr2-165991896-A-T. GRCh37 (hg19) VCF-style: chr2-166848406-A-T.
Other names: c.5295T>A, p.Thr1765= (NM_001165964.3, NM_001353957.2, NM_001353958.2); c.5379T>A, p.Thr1793= (NM_001202435.3, NM_001353948.2); c.5346T>A, p.Thr1782= (NM_001353949.2, NM_001353950.2, NM_001353951.2 and 2 more transcripts); c.5343T>A, p.Thr1781= (NM_001353954.2, NM_001353955.2); c.5292T>A, p.Thr1764= (NM_001353960.2); c.2937T>A, p.Thr979= (NM_001353961.2).
Identifiers: ClinVar variation 516620 (VCV000516620.1), dbSNP rs1553520152, ClinGen allele CA429976300.